The following is an entry in ClinVar:

ClinVar aggregate classification (germline): Uncertain significance (1 of 4 stars; one submission).

Conditions:
Spondyloepimetaphyseal dysplasia, PAPSS2 type. Also called: BRACHYOLMIA TYPE 4 WITH MILD EPIPHYSEAL AND METAPHYSEAL CHANGES; SPONDYLODYSPLASIA AND PREMATURE PUBARCHE; SEMD, PAKISTANI TYPE. Identifiers: Orphanet 93282, MedGen C2748516, MONDO:0019666, OMIM 612847.

Allele frequency attached by ClinVar (database versions not stated): gnomAD exomes below 0.00001.
gnomAD v4.1: 6 of 1,613,950 alleles (0.00037%); highest among the groups gnomAD compares: Non-Finnish European, 0.00051%; no homozygotes.

Submission:

Labcorp Genetics (formerly Invitae), Labcorp
Classification: Uncertain significance for Spondyloepimetaphyseal dysplasia, PAPSS2 type. Last evaluated: 2021-09-05. Review status: criteria provided, single submitter. Criteria: Invitae Variant Classification Sherloc (09022015). Collection method: clinical testing. Allele origin: germline.
Comment: This variant is not present in population databases (ExAC no frequency). In summary, the available evidence is currently insufficient to determine the role of this variant in disease. Therefore, it has been classified as a Variant of Uncertain Significance. Algorithms developed to predict the effect of missense changes on protein structure and function are either unavailable or do not agree on the potential impact of this missense change (SIFT: "Tolerated"; PolyPhen-2: "Probably Damaging"; Align-GVGD: "Class C0"). This variant has not been reported in the literature in individuals affected with PAPSS2-related conditions. This sequence change replaces glutamine with histidine at codon 499 of the PAPSS2 protein (p.Gln499His). The glutamine residue is moderately conserved and there is a small physicochemical difference between glutamine and histidine.

NM_001015880.2(PAPSS2):c.1497G>T (p.Gln499His)

Gene: PAPSS2 (3'-phosphoadenosine 5'-phosphosulfate synthase 2; plus strand). Cytogenetic location: 10q23.31.
Variant type: single nucleotide variant.
Coding change: c.1497G>T on transcript NM_001015880.2 (MANE Select); coding-DNA position 1497, G replaced by T.
Protein change: p.Gln499His; replaces glutamine 499 with histidine.
Molecular consequence: missense variant.
Genome position (GRCh38, 1-based): chr10:87,745,007, G>T. VCF-style: chr10-87745007-G-T. GRCh37 (hg19) VCF-style: chr10-89504764-G-T.
Other names: c.1482G>T, p.Gln494His (NM_004670.4); short protein forms Q494H, Q499H.
Identifiers: ClinVar variation 1463158 (VCV001463158.6), dbSNP rs973627691, ClinGen allele CA211241339.